The following continues an entry in ClinVar:

NM_007294.4(BRCA1):c.3607C>T (p.Arg1203Ter)

ClinVar aggregate classification (germline): Pathogenic. Pathogenic (1).

Submissions 27 to 49 of 56:

GeneKor MSA
Classification: Pathogenic for Hereditary Breast Carcinoma. Last evaluated: 2020-01-01. Review status: criteria provided, single submitter. Criteria: ACMG Guidelines, 2015. Collection method: clinical testing. Allele origin: germline. Affected: yes. Not counted in ClinVar's aggregate classification.
Comment: This sequence change creates a premature translational stop signal at codon 1203, p.(Arg1203*). It is expected to result in an absent or disrupted protein product. Truncating variants in BRCA1 are known to be pathogenic. This particular variant has been reported in the literature in individuals and families affected by breast and ovarian cancer and was shown to segregate with disease in one family (PMID: 21324516, 22006311). This sequence change is also known as 3726C>T in the literature. This mutation has been described in the mutation database ClinVar (Variation ID:17671).

Women's Health and Genetics/Laboratory Corporation of America, LabCorp
Classification: Pathogenic for Hereditary breast and ovarian cancer syndrome. Last evaluated: 2019-08-13. Review status: criteria provided, single submitter. Criteria: LabCorp Variant Classification Summary - May 2015. Collection method: clinical testing. Allele origin: germline. Not counted in ClinVar's aggregate classification.
Comment: Variant summary: BRCA1 c.3607C>T (p.Arg1203X) results in a premature termination codon, predicted to cause a truncation of the encoded protein or absence of the protein due to nonsense mediated decay, which are commonly known mechanisms for disease. Truncations downstream of this position have been classified as pathogenic by our laboratory. The variant allele was found at a frequency of 1.2e-05 in 251014 control chromosomes. c.3607C>T has been reported in the literature in numerous individuals affected with hereditary or early-onset breast and/or ovarian cancer (ie. Friedman_1994, Meindl_2002, Kim_2012, Juwle_2012, Solano_2013, Stavropoulo_2013). These data indicate that the variant is very likely to be associated with disease. To our knowledge, no experimental evidence demonstrating an impact on protein function has been reported. 16 clinical diagnostic laboratories have submitted clinical-significance assessments for this variant to ClinVar (after 2014). All laboratories classified the variant as pathogenic. Based on the evidence outlined above, the variant was classified as pathogenic.

Laboratory for Molecular Medicine, Mass General Brigham Personalized Medicine
Classification: Pathogenic for Hereditary breast ovarian cancer syndrome. Last evaluated: 2019-04-24. Review status: criteria provided, single submitter. Criteria: LMM Criteria. Collection method: clinical testing. Allele origin: germline. Inheritance: Autosomal dominant inheritance. Observed: 3 variant alleles. Not counted in ClinVar's aggregate classification.
Comment: The p.Arg1203X variant in BRCA1 has been reported in >40 individuals with BRCA1-associated cancers (Friedman 1994, Manguoglu 2003, Walsh 2011, Solano 2012, Kim 2012, Juwle 2012, Couch 2015, Breast Cancer Information Core (BIC) database, Sharing Clinical Reports Project). This variant has been identified in 1/17194 East Asian and 2/111402 European chromosomes by the Genome Aggregation Database (gnomAD; dbSNP rs62625308). This nonsense variant leads to a premature termination codon at position 1203, which is predicted to lead to a truncated or absent protein. Heterozygous loss of function of the BRCA1 gene is an established disease mechanism in individuals with hereditary breast and ovarian cancer (HBOC). In addition, this variant was classified as Pathogenic on April 22, 2016 by the ClinGen-approved ENIGMA expert panel (ClinVar SCV000282311.1). In summary, this variant meets criteria to be classified as pathogenic for HBOC in an autosomal dominant manner. ACMG/AMP Criteria applied: PVS1, PM2, PS4.

Human Genome Sequencing Center Clinical Lab, Baylor College of Medicine
Classification: Pathogenic for Familial breast-ovarian cancer 1. Last evaluated: 2018-10-08. Review status: criteria provided, single submitter. Criteria: ACMG Guidelines, 2015. Collection method: clinical testing. Allele origin: germline. Not counted in ClinVar's aggregate classification.
Comment: This c.3607C>T (p.Arg1203*) variant in the BRCA1 gene is predicted to introduce a premature translational termination codon. This variant is extremely rare in the general population according to the gnomAD database. It has been reported in multiple unrelated patients with breast cancer or ovary cancer [2PMID: 7894493, 21324516, 22006311, 22752604, 24218521, 24010542].Therefore, the c.3607C>T (p.Arg1203*) variant in the BRCA1 gene is classified as pathogenic.

Department of Pathology and Molecular Medicine, Queen's University
Classification: Pathogenic for Hereditary breast ovarian cancer syndrome. Last evaluated: 2017-04-20. Review status: criteria provided, single submitter. Criteria: ACMG Guidelines, 2015. Collection method: clinical testing. Allele origin: germline. Study: The Canadian Open Genetics Repository (COGR). Not counted in ClinVar's aggregate classification.

Baylor Genetics
Classification: Pathogenic for Familial cancer of breast. Last evaluated: 2017-02-23. Review status: criteria provided, single submitter. Criteria: ACMG Guidelines, 2015. Collection method: clinical testing. Allele origin: germline. Inheritance: Autosomal dominant inheritance. Affected: yes. Observed: 1 variant allele. Not counted in ClinVar's aggregate classification.

3DMed Clinical Laboratory Inc
Classification: Pathogenic for Ovarian cancer. Last evaluated: 2017-02-16. Review status: criteria provided, single submitter. Criteria: ACMG Guidelines, 2015. Collection method: clinical testing. Allele origin: germline. Affected: yes. Not counted in ClinVar's aggregate classification.

Clinical Genetics and Genomics, Karolinska University Hospital
Classification: Pathogenic. Last evaluated: 2016-12-02. Review status: criteria provided, single submitter. Criteria: ACMG Guidelines, 2015. Collection method: clinical testing. Allele origin: germline. Affected: yes. Observed: 2 variant alleles. Not counted in ClinVar's aggregate classification.

Department of Medical Genetics, Oslo University Hospital
Classification: Pathogenic for Breast-ovarian cancer, familial, susceptibility to, 1. Last evaluated: 2016-04-11. Review status: criteria provided, single submitter. Criteria: ACMG Guidelines, 2015. Collection method: clinical testing. Allele origin: germline. Affected: yes. Observed: 30 variant alleles. Not counted in ClinVar's aggregate classification.

CHEO Genetics Diagnostic Laboratory, Children's Hospital of Eastern Ontario
Classification: Pathogenic for Breast and/or ovarian cancer. Last evaluated: 2016-03-13. Review status: criteria provided, single submitter. Criteria: ACMG Guidelines, 2015. Collection method: clinical testing. Allele origin: germline. Study: Canadian Open Genetics Repository. Not counted in ClinVar's aggregate classification.

Consortium of Investigators of Modifiers of BRCA1/2 (CIMBA), c/o University of Cambridge
Classification: Pathogenic for Breast-ovarian cancer, familial, susceptibility to, 1. Last evaluated: 2015-10-02. Review status: criteria provided, single submitter. Criteria: CIMBA Mutation Classification guidelines May 2016. Collection method: clinical testing. Allele origin: germline. Not counted in ClinVar's aggregate classification.

Clinical Genetics DNA and cytogenetics Diagnostics Lab, Erasmus MC, Erasmus Medical Center
Classification: Pathogenic for Breast-ovarian cancer, familial, susceptibility to, 1. Last evaluated: 2015-09-21. Review status: criteria provided, single submitter. Criteria: ACGS Guidelines, 2013. Collection method: clinical testing. Allele origin: germline. Affected: yes. Study: VKGL Data-share Consensus. Not counted in ClinVar's aggregate classification.

Genesis Genomics
Classification: Pathogenic for Breast-ovarian cancer, familial, susceptibility to, 1. Review status: criteria provided, single submitter. Criteria: ACMG Guidelines, 2015. Collection method: clinical testing. Allele origin: germline. Affected: no. Observed: 1 variant allele. Not counted in ClinVar's aggregate classification.

Medical Genetics Laboratory, Umraniye Training and Research Hospital, University of Health Sciences
Classification: Pathogenic for Ovarian carcinoma. Last evaluated: 2021-09-11. Review status: no assertion criteria provided. Collection method: clinical testing. Allele origin: germline. Inheritance: Autosomal dominant inheritance. Affected: yes. Observed: 1 heterozygote. Not counted in ClinVar's aggregate classification.

Laboratory for Genotyping Development, RIKEN
Classification: Pathogenic for Gastric cancer. Last evaluated: 2021-07-01. Review status: no assertion criteria provided. Collection method: research. Allele origin: germline. Not counted in ClinVar's aggregate classification.

BRCAlab, Lund University
Classification: Pathogenic for Breast-ovarian cancer, familial, susceptibility to, 1. Last evaluated: 2020-03-02. Review status: no assertion criteria provided. Collection method: clinical testing. Allele origin: germline. Affected: yes. Not counted in ClinVar's aggregate classification.

German Consortium for Hereditary Breast and Ovarian Cancer, University Hospital Cologne
Classification: Pathogenic for Ovarian neoplasm. Last evaluated: 2018-12-01. Review status: no assertion criteria provided. Collection method: research. Allele origin: somatic. Affected: yes. Not counted in ClinVar's aggregate classification.

Counsyl
Classification: Pathogenic for Breast-ovarian cancer, familial, susceptibility to, 1. Last evaluated: 2015-12-16. Review status: no assertion criteria provided. Collection method: clinical testing. Allele origin: unknown. Not counted in ClinVar's aggregate classification.

CSER _CC_NCGL, University of Washington
Classification: Pathogenic for Breast cancer. Last evaluated: 2014-06-01. Review status: no assertion criteria provided. Collection method: research. Allele origin: germline. Inheritance: Autosomal dominant inheritance. Study: ESP 6500 variant annotation. Not counted in ClinVar's aggregate classification.
Comment: Variants classified for the Actionable exomic incidental findings in 6503 participants: challenges of variant classification manuscript

Research Molecular Genetics Laboratory, Women's College Hospital, University of Toronto
Classification: Pathogenic for Hereditary breast ovarian cancer syndrome. Last evaluated: 2014-01-31. Review status: no assertion criteria provided. Collection method: research. Allele origin: germline. Affected: yes. Study: The Canadian Open Genetics Repository (COGR). Not counted in ClinVar's aggregate classification.

Foulkes Cancer Genetics LDI, Lady Davis Institute for Medical Research
Classification: Pathogenic for Breast and/or ovarian cancer. Last evaluated: 2013-12-20. Review status: no assertion criteria provided. Collection method: clinical testing. Allele origin: germline. Study: The Canadian Open Genetics Repository (COGR). Not counted in ClinVar's aggregate classification.

Sharing Clinical Reports Project (SCRP)
Classification: Pathogenic for Breast-ovarian cancer, familial 1. Last evaluated: 2012-10-18. Review status: no assertion criteria provided. Collection method: clinical testing. Allele origin: germline. Not counted in ClinVar's aggregate classification.

OMIM
Classification: Pathogenic for BREAST-OVARIAN CANCER, FAMILIAL, SUSCEPTIBILITY TO, 1. Last evaluated: 1994-12-01. Review status: no assertion criteria provided. Collection method: literature only. Allele origin: germline. Not counted in ClinVar's aggregate classification.